The following is an entry in ClinVar:

ClinVar aggregate classification (germline): Uncertain significance (1 of 4 stars; one submission).

Submission:

GeneDx
Classification: Uncertain significance. Last evaluated: 2019-10-21. Review status: criteria provided, single submitter. Criteria: GeneDx Variant Classification Process June 2021. Collection method: clinical testing. Allele origin: germline. Affected: yes.
Comment: Not observed in large population cohorts (Lek et al., 2016); Nonsense variant predicted to result in protein truncation, although loss-of-function variants have not been reported downstream of this position in the protein; Has not been previously published as pathogenic or benign to our knowledge

NM_017433.5(MYO3A):c.4791C>G (p.Tyr1597Ter)

Gene: MYO3A (myosin IIIA; plus strand). Cytogenetic location: 10p12.1.
Variant type: single nucleotide variant.
Coding change: c.4791C>G on transcript NM_017433.5 (MANE Select); coding-DNA position 4791, C replaced by G.
Protein change: p.Tyr1597Ter; replaces tyrosine 1597 with a stop codon.
Molecular consequence: nonsense.
Genome position (GRCh38, 1-based): chr10:26,211,903, C>G. VCF-style: chr10-26211903-C-G. GRCh37 (hg19) VCF-style: chr10-26500832-C-G.
Other names: short protein forms Y1597*.
Identifiers: ClinVar variation 1309546 (VCV001309546.2), dbSNP rs779121070, ClinGen allele CA376342480.